The following is an entry in ClinVar:

ClinVar aggregate classification (germline): Uncertain significance. Review status: criteria provided, multiple submitters, no conflicts (2 of 4 stars). 2 submissions from 2 submitters: Uncertain significance (2). Last evaluated 2024-06-06.

Conditions:
Hereditary pancreatitis (PCTT). Also called: Hereditary chronic pancreatitis; PRSS1-Related Hereditary Pancreatitis. Identifiers: Orphanet 676, MedGen C0238339, MONDO:0008185, OMIM 167800.

Allele frequency attached by ClinVar (database versions not stated): gnomAD exomes below 0.00001; TOPMed below 0.00001; gnomAD 0.00001.

Submissions (2):

Ambry Genetics
Classification: Uncertain significance for Hereditary pancreatitis. Last evaluated: 2024-06-06. Review status: criteria provided, single submitter. Criteria: Ambry Variant Classification Scheme 2023. Collection method: clinical testing. Allele origin: germline.
Comment: The p.I107T variant (also known as c.320T>C), located in coding exon 4 of the CTRC gene, results from a T to C substitution at nucleotide position 320. The isoleucine at codon 107 is replaced by threonine, an amino acid with similar properties. This amino acid position is conserved. In addition, this alteration is predicted to be deleterious by in silico analysis. Based on the available evidence, the clinical significance of this variant remains unclear.

Labcorp Genetics (formerly Invitae), Labcorp
Classification: Uncertain significance for Hereditary pancreatitis. Last evaluated: 2022-08-09. Review status: criteria provided, single submitter. Criteria: Invitae Variant Classification Sherloc (09022015). Collection method: clinical testing. Allele origin: germline.
Comment: In summary, the available evidence is currently insufficient to determine the role of this variant in disease. Therefore, it has been classified as a Variant of Uncertain Significance. Algorithms developed to predict the effect of missense changes on protein structure and function (SIFT, PolyPhen-2, Align-GVGD) all suggest that this variant is likely to be disruptive. ClinVar contains an entry for this variant (Variation ID: 1523642). This variant has not been reported in the literature in individuals affected with CTRC-related conditions. This variant is not present in population databases (gnomAD no frequency). This sequence change replaces isoleucine, which is neutral and non-polar, with threonine, which is neutral and polar, at codon 107 of the CTRC protein (p.Ile107Thr).

NM_007272.3(CTRC):c.320T>C (p.Ile107Thr)

Gene: CTRC (chymotrypsin C; plus strand). Cytogenetic location: 1p36.21.
Variant type: single nucleotide variant.
Coding change: c.320T>C on transcript NM_007272.3 (MANE Select); coding-DNA position 320, T replaced by C.
Protein change: p.Ile107Thr; replaces isoleucine 107 with threonine.
Molecular consequence: missense variant.
Genome position (GRCh38, 1-based): chr1:15,442,536, T>C. VCF-style: chr1-15442536-T-C. GRCh37 (hg19) VCF-style: chr1-15769032-T-C.
Other names: c.320T>C (NM_007272.2); short protein forms I107T.
Identifiers: ClinVar variation 1523642 (VCV001523642.7), dbSNP rs1708151410, ClinGen allele CA338565580.